The following is an entry in ClinVar:

NM_022455.5(NSD1):c.5972_5973dup (p.Asp1992fs)

Gene: NSD1 (nuclear receptor binding SET domain protein 1; plus strand). Cytogenetic location: 5q35.3.
Variant type: Duplication.
Coding change: c.5972_5973dup on transcript NM_022455.5 (MANE Select); coding-DNA positions 5972 to 5973, 2 bases duplicated (AT; older notation c.5972_5973dupAT).
Protein change: p.Asp1992fs; shifts the reading frame from aspartic acid 1992.
Molecular consequence: frameshift variant.
Genome position (GRCh38, 1-based): chr5:177,282,544-177,282,545, AT duplicated. VCF-style (leftmost placement, unchanged base first): chr5-177282543-C-CAT. GRCh37 (hg19) VCF-style: chr5-176709544-C-CAT.
Other names: c.5099_5100dup, p.Asp1701fs (NM_001365684.2, NM_001409308.1, NM_001409309.1 and 1 more transcripts); c.5972_5973dup, p.Asp1992fs (NM_001409301.1, NM_001409302.1, NM_001409303.1); c.5552_5553dup, p.Asp1852fs (NM_001409304.1); c.5219_5220dup, p.Asp1741fs (NM_001409305.1); c.5210_5211dup, p.Asp1738fs (NM_001409306.1, NM_001409307.1); short protein forms D1741fs, D1992fs, D1701fs, D1852fs, D1738fs.
Identifiers: ClinVar variation 2585165 (VCV002585165.1), dbSNP rs2480788504, ClinGen allele CA2582341660.
Genomic context (GRCh38, chr5:177,282,543, plus strand): 5'-TATGTGGGTGAGCTTATAGATGAAGAAGAATGCAGAGCTCGAATTCGCTATGCTCAAGAA[C>CAT]ATGATATCACTAATTTCTATATGCTCACCCTAGACAAAGTAAGTAATGGGAAATGCTGTT-3'

ClinVar aggregate classification (germline): Likely pathogenic (1 of 4 stars; one submission).

Conditions:
Sotos syndrome (SOTOS). Also called: Sotos' syndrome; Distinctive facial appearance, overgrowth in childhood, and learning disabilities or delayed development; CEREBRAL GIGANTISM; CHROMOSOME 5q35 DELETION SYNDROME; SOTOS SYNDROME 1. Identifiers: Orphanet 821, MedGen C0175695, MONDO:0019349, OMIM 117550.

Submission:

Neuberg Centre For Genomic Medicine, NCGM
Classification: Likely pathogenic for Sotos syndrome. Review status: criteria provided, single submitter. Criteria: ACMG Guidelines, 2015. Collection method: clinical testing. Allele origin: germline. Inheritance: Autosomal dominant inheritance. Affected: yes.
Comment: The frame shift c.5972_5973dup (p.Asp1992MetfsTer11) variant has not been reported previously as a pathogenic variant nor as a benign variant, to our knowledge. The p.Asp1992MetfsTer11 variant is novel (not in any individuals) in gnomAD Exomes and is novel (not in any individuals) in 1000 Genomes. This variant has not been reported to the ClinVar database. This variant causes a frameshift starting with codon Aspartic Acid 1992, changes this amino acid to Methionine residue, and creates a premature Stop codon at position 11 of the new reading frame, denoted p.Asp1992MetfsTer11. This variant is predicted to cause loss of normal protein function through protein truncation. Loss of function variants have been previously reported to be disease causing. For these reasons, this variant has been classified as Likely Pathogenic